The following is an entry in ClinVar:

NM_005157.6(ABL1):c.2300C>A (p.Ala767Glu)

Gene: ABL1 (ABL proto-oncogene 1, non-receptor tyrosine kinase; plus strand). Cytogenetic location: 9q34.12.
Variant type: single nucleotide variant.
Coding change: c.2300C>A on transcript NM_005157.6 (MANE Select); coding-DNA position 2300, C replaced by A.
Protein change: p.Ala767Glu; replaces alanine 767 with glutamic acid.
Molecular consequence: missense variant.
Genome position (GRCh38, 1-based): chr9:130,884,590, C>A. VCF-style: chr9-130884590-C-A. GRCh37 (hg19) VCF-style: chr9-133759977-C-A.
Other names: c.2357C>A, p.Ala786Glu (NM_007313.3); short protein forms A767E, A786E.
Identifiers: ClinVar variation 3694688 (VCV003694688.2).

ClinVar aggregate classification (germline): Uncertain significance (1 of 4 stars; one submission).

gnomAD v4.1: 8 of 1,613,226 alleles (0.0005%); highest among the groups gnomAD compares: Non-Finnish European, 0.00068%; no homozygotes.

Submission:

Labcorp Genetics (formerly Invitae), Labcorp
Classification: Uncertain significance. Last evaluated: 2025-08-11. Review status: criteria provided, single submitter. Criteria: Invitae Variant Classification Sherloc (09022015). Collection method: clinical testing. Allele origin: germline.
Comment: This sequence change replaces alanine, which is neutral and non-polar, with glutamic acid, which is acidic and polar, at codon 786 of the ABL1 protein (p.Ala786Glu). This variant is present in population databases (rs376567477, gnomAD 0.0009%). This variant has not been reported in the literature in individuals affected with ABL1-related conditions. ClinVar contains an entry for this variant (Variation ID: 3694688). Invitae Evidence Modeling of protein sequence and biophysical properties (such as structural, functional, and spatial information, amino acid conservation, physicochemical variation, residue mobility, and thermodynamic stability) indicates that this missense variant is not expected to disrupt ABL1 protein function with a negative predictive value of 95%. In summary, the available evidence is currently insufficient to determine the role of this variant in disease. Therefore, it has been classified as a Variant of Uncertain Significance.